The following is an entry in ClinVar:

NM_020184.4(CNNM4):c.1851+9G>A

Gene: CNNM4 (cyclin and CBS domain divalent metal cation transport mediator 4; plus strand). Cytogenetic location: 2q11.2.
Variant type: single nucleotide variant.
Coding change: c.1851+9G>A on transcript NM_020184.4 (MANE Select); 9 bases into the intron after coding-DNA position 1851, G replaced by A.
Molecular consequence: intron variant.
Genome position (GRCh38, 1-based): chr2:96,799,235, G>A. VCF-style: chr2-96799235-G-A. GRCh37 (hg19) VCF-style: chr2-97464972-G-A.
Identifiers: ClinVar variation 721229 (VCV000721229.19), dbSNP rs185433115, ClinGen allele CA1783488.

ClinVar aggregate classification (germline): Benign/Likely benign. Review status: criteria provided, multiple submitters, no conflicts (2 of 4 stars). 6 submissions from 6 submitters: Benign (1); Likely benign (2). 3 of the submissions do not count toward it. Last evaluated 2025-12-27.

Conditions:
Jalili syndrome. Also called: CONE-ROD DYSTROPHY AND AMELOGENESIS IMPERFECTA. Identifiers: Orphanet 1873, MedGen C3495589, MONDO:0009007, OMIM 217080.
CNNM4-related disorder. Also called: CNNM4-related condition.

Allele frequency attached by ClinVar (database versions not stated): ESP Exome Variant Server 0.00015; gnomAD exomes 0.00055 and 0.00077; gnomAD 0.00061 and 0.00071; TOPMed 0.00065; ExAC 0.00067; 1000 Genomes Project 0.00200; 1000 Genomes Project 30x 0.00250.

Submissions (6):

Labcorp Genetics (formerly Invitae), Labcorp
Classification: Benign. Last evaluated: 2025-12-27. Review status: criteria provided, single submitter. Criteria: Invitae Variant Classification Sherloc (09022015). Collection method: clinical testing. Allele origin: germline.

Blueprint Genetics
Classification: Likely benign. Last evaluated: 2024-10-31. Review status: criteria provided, single submitter. Criteria: ACMG Guidelines, 2015. Collection method: clinical testing. Allele origin: germline.

Illumina Laboratory Services, Illumina
Classification: Likely benign for Jalili syndrome. Last evaluated: 2018-01-13. Review status: criteria provided, single submitter. Criteria: ICSL Variant Classification Criteria 13 December 2019. Collection method: clinical testing. Allele origin: germline.
Comment: This variant was observed in the ICSL laboratory as part of a predisposition screen in an ostensibly healthy population. It had not been previously curated by ICSL or reported in the Human Gene Mutation Database (HGMD: prior to June 1st, 2018), and was therefore a candidate for classification through an automated scoring system. Utilizing variant allele frequency, disease prevalence and penetrance estimates, and inheritance mode, an automated score was calculated to assess if this variant is too frequent to cause the disease. Based on the score and internal cut-off values, a variant classified as likely benign is not then subjected to further curation. The score for this variant resulted in a classification of likely benign for this disease.

PreventionGenetics, part of Exact Sciences
Classification: Benign for CNNM4-related condition. Last evaluated: 2024-09-16. Review status: no assertion criteria provided. Collection method: clinical testing. Allele origin: germline. Not counted in ClinVar's aggregate classification.
Comment: This variant is classified as benign based on ACMG/AMP sequence variant interpretation guidelines (Richards et al. 2015 PMID: 25741868, with internal and published modifications).

Clinical Genetics DNA and cytogenetics Diagnostics Lab, Erasmus MC, Erasmus Medical Center
Classification: Likely benign. Review status: no assertion criteria provided. Collection method: clinical testing. Allele origin: germline. Affected: yes. Study: VKGL Data-share Consensus. Not counted in ClinVar's aggregate classification.

Clinical Genetics, Academic Medical Center
Classification: Benign. Review status: no assertion criteria provided. Collection method: clinical testing. Allele origin: germline. Affected: yes. Study: VKGL Data-share Consensus. Not counted in ClinVar's aggregate classification.